The following is an entry in ClinVar:

ClinVar aggregate classification (germline): Uncertain significance (1 of 4 stars; one submission).

Conditions:
Joubert syndrome 20 (JBTS20). Identifiers: Orphanet 475, MedGen C3554235, MONDO:0013994, OMIM 614970.
Meckel syndrome, type 11 (MKS11). Identifiers: Orphanet 564, MedGen C3809352, MONDO:0014164, OMIM 615397.

Submission:

Labcorp Genetics (formerly Invitae), Labcorp
Classification: Uncertain significance for Joubert syndrome 20; Meckel syndrome, type 11. Last evaluated: 2023-11-27. Review status: criteria provided, single submitter. Criteria: Invitae Variant Classification Sherloc (09022015). Collection method: clinical testing. Allele origin: germline.
Comment: This sequence change replaces alanine, which is neutral and non-polar, with aspartic acid, which is acidic and polar, at codon 124 of the TMEM231 protein (p.Ala124Asp). This variant is not present in population databases (gnomAD no frequency). This variant has not been reported in the literature in individuals affected with TMEM231-related conditions. ClinVar contains an entry for this variant (Variation ID: 1408173). Experimental studies and prediction algorithms are not available or were not evaluated, and the functional significance of this variant is currently unknown. In summary, the available evidence is currently insufficient to determine the role of this variant in disease. Therefore, it has been classified as a Variant of Uncertain Significance.

NM_001077418.3(TMEM231):c.212C>A (p.Ala71Asp)

Gene: TMEM231 (transmembrane protein 231; minus strand). Cytogenetic location: 16q23.1.
Variant type: single nucleotide variant.
Coding change: c.212C>A on transcript NM_001077418.3 (MANE Select); coding-DNA position 212, C replaced by A.
Protein change: p.Ala71Asp; replaces alanine 71 with aspartic acid.
Molecular consequence: missense variant. On other transcripts: non-coding transcript variant (1).
Genome position (GRCh38, 1-based): chr16:75,555,901, G>T on the plus strand (C>A on the coding strand, the complement: TMEM231 is on the minus strand). VCF-style: chr16-75555901-G-T. GRCh37 (hg19) VCF-style: chr16-75589799-G-T.
Other names: c.371C>A, p.Ala124Asp (NM_001077416.2); short protein forms A71D, A124D.
Identifiers: ClinVar variation 1408173 (VCV001408173.6), dbSNP rs1350319069, ClinGen allele CA396809179.